The following is an entry in ClinVar:

ClinVar aggregate classification (germline): Uncertain significance. Review status: criteria provided, multiple submitters, no conflicts (2 of 4 stars). 2 submissions from 2 submitters: Uncertain significance (2). Last evaluated 2024-07-31.

Conditions:
Hereditary cancer-predisposing syndrome. Also called: Tumor predisposition; Hereditary Cancer Syndrome; Hereditary neoplastic syndrome; Neoplastic Syndromes, Hereditary. Identifiers: Orphanet 140162, MedGen C0027672, MeSH D009386, MONDO:0015356.
Familial adenomatous polyposis 1 (FAP1). Also called: FAMILIAL ADENOMATOUS POLYPOSIS 1, ATTENUATED; POLYPOSIS, ADENOMATOUS INTESTINAL. Identifiers: MedGen C2713442, MONDO:0021056, OMIM 175100. Disease mechanism: loss of function.

Submissions (2):

Ambry Genetics
Classification: Uncertain significance for Hereditary cancer-predisposing syndrome. Last evaluated: 2024-07-31. Review status: criteria provided, single submitter. Criteria: Ambry Variant Classification Scheme 2023. Collection method: clinical testing. Allele origin: germline.
Comment: The p.E1097Q variant (also known as c.3289G>C), located in coding exon 15 of the APC gene, results from a G to C substitution at nucleotide position 3289. The glutamic acid at codon 1097 is replaced by glutamine, an amino acid with highly similar properties. This amino acid position is conserved. In addition, in silico predictors for this gene do not accurately predict pathogenicity. Based on the available evidence, the clinical significance of this variant remains unclear.

Labcorp Genetics (formerly Invitae), Labcorp
Classification: Uncertain significance for Familial adenomatous polyposis 1. Last evaluated: 2017-10-04. Review status: criteria provided, single submitter. Criteria: Invitae Variant Classification Sherloc (09022015). Collection method: clinical testing. Allele origin: germline.
Comment: In summary, the available evidence is currently insufficient to determine the role of this variant in disease. Therefore, it has been classified as a Variant of Uncertain Significance. Algorithms developed to predict the effect of missense changes on protein structure and function (SIFT, PolyPhen-2, Align-GVGD) all suggest that this variant is likely to be tolerated, but these predictions have not been confirmed by published functional studies and their clinical significance is uncertain. This variant has not been reported in the literature in individuals with APC-related disease. This variant is not present in population databases (ExAC no frequency). This sequence change replaces glutamic acid with glutamine at codon 1097 of the APC protein (p.Glu1097Gln). The glutamic acid residue is moderately conserved and there is a small physicochemical difference between glutamic acid and glutamine.

NM_000038.6(APC):c.3289G>C (p.Glu1097Gln)

Gene: APC (APC regulator of Wnt signaling pathway; plus strand). Cytogenetic location: 5q22.2.
Variant type: single nucleotide variant.
Coding change: c.3289G>C on transcript NM_000038.6 (MANE Select); coding-DNA position 3289, G replaced by C.
Protein change: p.Glu1097Gln; replaces glutamic acid 1097 with glutamine.
Molecular consequence: missense variant.
Genome position (GRCh38, 1-based): chr5:112,838,883, G>C. VCF-style: chr5-112838883-G-C. GRCh37 (hg19) VCF-style: chr5-112174580-G-C.
Other names: c.3289G>C, p.Glu1097Gln (NM_001127510.3, NM_001354895.2); c.3235G>C, p.Glu1079Gln (NM_001127511.3); c.3343G>C, p.Glu1115Gln (NM_001354896.2); c.3319G>C, p.Glu1107Gln (NM_001354897.2); c.3214G>C, p.Glu1072Gln (NM_001354898.2); c.3205G>C, p.Glu1069Gln (NM_001354899.2); c.3166G>C, p.Glu1056Gln (NM_001354900.2); c.3112G>C, p.Glu1038Gln (NM_001354901.2); and 5 more; short protein forms E1079Q, E1097Q, E1038Q, E1072Q, E1107Q, E1006Q, E971Q, E996Q.
Identifiers: ClinVar variation 537430 (VCV000537430.11), dbSNP rs1060503312, ClinGen allele CA16028555.